The following is an entry in ClinVar:

NM_001089.3(ABCA3):c.2761C>G (p.Arg921Gly)

Gene: ABCA3 (ATP binding cassette subfamily A member 3; minus strand). Cytogenetic location: 16p13.3.
Variant type: single nucleotide variant.
Coding change: c.2761C>G on transcript NM_001089.3 (MANE Select); coding-DNA position 2761, C replaced by G.
Protein change: p.Arg921Gly; replaces arginine 921 with glycine.
Molecular consequence: missense variant.
Genome position (GRCh38, 1-based): chr16:2,288,269, G>C on the plus strand (C>G on the coding strand, the complement: ABCA3 is on the minus strand). VCF-style: chr16-2288269-G-C. GRCh37 (hg19) VCF-style: chr16-2338270-G-C.
Other names: short protein forms R921G.
Identifiers: ClinVar variation 1795694 (VCV001795694.3), dbSNP rs779429027, ClinGen allele CA394324109.
Genomic context (GRCh38, chr16:2,288,269, plus strand): 5'-GGGCCAGGGTGACGCAGGTCAGAGGCACCAGGACCTGTGCCGCCACCATTTTCCACTCGC[G>C]CCAGCTGTATGCGGCCTTCTTCAGGAACATGGCCCAGAATTGCTGGCAGTGCAGGGCGAG-3'
Protein context (NP_001080.2, residues 911-931): MFLKKAAYSW[Arg921Gly]EWKMVAAQVL

ClinVar aggregate classification (germline): Uncertain significance. Review status: criteria provided, multiple submitters, no conflicts (2 of 4 stars). 2 submissions from 2 submitters: Uncertain significance (2). Last evaluated 2023-06-01.

Conditions:
Hereditary pulmonary alveolar proteinosis. Also called: Pulmonary surfactant metabolism dysfunction. Identifiers: Orphanet 264675, MedGen C3711368, MONDO:0012580.

gnomAD v4.1: 1 of 1,586,992 alleles (0.000063%); highest among the groups gnomAD compares: Non-Finnish European, 0.000086%; no homozygotes.

Submissions (2):

GeneDx
Classification: Uncertain significance. Last evaluated: 2023-06-01. Review status: criteria provided, single submitter. Criteria: GeneDx Variant Classification Process June 2021. Collection method: clinical testing. Allele origin: germline. Affected: yes.
Comment: Not observed at significant frequency in large population cohorts (gnomAD); In silico analysis supports that this missense variant has a deleterious effect on protein structure/function; Has not been previously published as pathogenic or benign to our knowledge

Ambry Genetics
Classification: Uncertain significance for Hereditary pulmonary alveolar proteinosis. Last evaluated: 2018-10-09. Review status: criteria provided, single submitter. Criteria: Ambry Variant Classification Scheme 2023. Collection method: clinical testing. Allele origin: germline.
Comment: The p.R921G variant (also known as c.2761C>G), located in coding exon 18 of the ABCA3 gene, results from a C to G substitution at nucleotide position 2761. The arginine at codon 921 is replaced by glycine, an amino acid with dissimilar properties. This amino acid position is highly conserved in available vertebrate species. In addition, this alteration is predicted to be deleterious by in silico analysis. Since supporting evidence is limited at this time, the clinical significance of this alteration remains unclear.